The following is an entry in ClinVar:

NM_020884.7(MYH7B):c.3623C>A (p.Ala1208Glu)

Gene: MYH7B (myosin heavy chain 7B; plus strand). Cytogenetic location: 20q11.22.
Variant type: single nucleotide variant.
Coding change: c.3623C>A on transcript NM_020884.7 (MANE Select); coding-DNA position 3623, C replaced by A.
Protein change: p.Ala1208Glu; replaces alanine 1208 with glutamic acid.
Molecular consequence: missense variant.
Genome position (GRCh38, 1-based): chr20:34,997,516, C>A. VCF-style: chr20-34997516-C-A. GRCh37 (hg19) VCF-style: chr20-33585319-C-A.
Other names: c.3749C>A (NM_020884.3); short protein forms A1208E.
Identifiers: ClinVar variation 1361742 (VCV001361742.7), dbSNP rs372505798, ClinGen allele CA9827791.

ClinVar aggregate classification (germline): Uncertain significance. Review status: criteria provided, multiple submitters, no conflicts (2 of 4 stars). 2 submissions from 2 submitters: Uncertain significance (2). Last evaluated 2025-01-06.

Allele frequency attached by ClinVar (database versions not stated): 1000 Genomes Project 30x 0.00031.
gnomAD v4.1: 33 of 1,598,676 alleles (0.0021%); highest among the groups gnomAD compares: Admixed American, 0.055%; no homozygotes.

Submissions (2):

Labcorp Genetics (formerly Invitae), Labcorp
Classification: Uncertain significance. Last evaluated: 2025-01-06. Review status: criteria provided, single submitter. Criteria: Invitae Variant Classification Sherloc (09022015). Collection method: clinical testing. Allele origin: germline.
Comment: This sequence change replaces alanine, which is neutral and non-polar, with glutamic acid, which is acidic and polar, at codon 1250 of the MYH7B protein (p.Ala1250Glu). This variant is present in population databases (rs372505798, gnomAD 0.07%), and has an allele count higher than expected for a pathogenic variant. This variant has not been reported in the literature in individuals affected with MYH7B-related conditions. ClinVar contains an entry for this variant (Variation ID: 1361742). Invitae Evidence Modeling of protein sequence and biophysical properties (such as structural, functional, and spatial information, amino acid conservation, physicochemical variation, residue mobility, and thermodynamic stability) indicates that this missense variant is not expected to disrupt MYH7B protein function with a negative predictive value of 80%. In summary, the available evidence is currently insufficient to determine the role of this variant in disease. Therefore, it has been classified as a Variant of Uncertain Significance.

Ambry Genetics
Classification: Uncertain significance. Last evaluated: 2024-11-08. Review status: criteria provided, single submitter. Criteria: Ambry Variant Classification Scheme 2023. Collection method: clinical testing. Allele origin: germline.